The following is an entry in ClinVar:

ClinVar aggregate classification (germline): Pathogenic; drug response. Review status: reviewed by expert panel (3 of 4 stars). 16 submissions from 10 submitters: Pathogenic (1). 8 of the submissions do not count toward it. Last evaluated 2021-03-24.

Conditions:
Congenital multicore myopathy with external ophthalmoplegia (CMYO1B). Also called: Congenital myopathy 1B, autosomal recessive; Minicore myopathy; MULTICORE MYOPATHY; MULTIMINICORE DISEASE WITH EXTERNAL OPHTHALMOPLEGIA; Minicore myopathy with external ophthalmoplegia. Identifiers: Orphanet 598, Orphanet 98905, MedGen C1850674, MONDO:0009712, OMIM 255320, HP:0003789.
Central core myopathy (CMYO1A). Also called: CONGENITAL MYOPATHY 1A, AUTOSOMAL DOMINANT, WITH SUSCEPTIBILITY TO MALIGNANT HYPERTHERMIA; Central core disease; Myopathy, central fibrillar. Identifiers: Orphanet 597, MedGen C5830701, MONDO:0007294, OMIM 117000.
King Denborough syndrome (KDS). Identifiers: MedGen C1840365, MONDO:0020485, OMIM 619542.
Malignant hyperthermia, susceptibility to, 1 (MHS1). Also called: Malignant hyperthermia suceptibility 1; Anesthesia related hyperthermia; Malignant hyperpyrexia; Fulminating hyperpyrexia; Pharmacogenic myopathy; RYR1-Related Malignant Hyperthermia Susceptibility. Identifiers: Orphanet 423, MedGen C2930980, MONDO:0007783, OMIM 145600.
RYR1-related disorder. Also called: RYR1-related disorders; RYR1-related condition. Identifiers: MedGen CN239331.
desflurane response - Toxicity.
succinylcholine response - Toxicity.
sevoflurane response - Toxicity.
methoxyflurane response - Toxicity.
isoflurane response - Toxicity.
halothane response - Toxicity.
enflurane response - Toxicity.

Allele frequency attached by ClinVar (database versions not stated): gnomAD exomes below 0.00001; ESP Exome Variant Server 0.00008.
gnomAD v4.1: 1 of 1,598,678 alleles (0.000063%); highest among the groups gnomAD compares: Non-Finnish European, 0.000085%; no homozygotes.

Submissions (16):

ClinPGx
Classification: drug response for desflurane response - Toxicity. Last evaluated: 2021-03-24. Review status: reviewed by expert panel. Criteria: Pharmacogenomics knowledge for personalized medicine. Collection method: curation. Allele origin: germline. Affected: yes.
Comment: PharmGKB Level of Evidence 1A: Level 1A clinical annotations describe variant-drug combinations that have variant-specific prescribing guidance available in a current clinical guideline annotation or an FDA-approved drug label annotation. Annotations of drug labels or clinical guidelines must give prescribing guidance for specific variants (e.g. CYP2C9*3, HLA-B*57:01) or provide mapping from defined allele functions to diplotypes and phenotypes to be used as supporting evidence for a level 1A clinical annotation. Level 1A clinical annotations must also be supported by at least one publication in addition to a clinical guideline or drug label with variant-specific prescribing guidance.

Drug is not necessarily used to treat response condition

ClinPGx
Classification: drug response for enflurane response - Toxicity. Last evaluated: 2021-03-24. Review status: reviewed by expert panel. Criteria: Pharmacogenomics knowledge for personalized medicine. Collection method: curation. Allele origin: germline. Affected: yes.
Comment: the same text as in the submission from ClinPGx above.

ClinPGx
Classification: drug response for halothane response - Toxicity. Last evaluated: 2021-03-24. Review status: reviewed by expert panel. Criteria: Pharmacogenomics knowledge for personalized medicine. Collection method: curation. Allele origin: germline. Affected: yes.
Comment: the same text as in the submission from ClinPGx above.

ClinPGx
Classification: drug response for isoflurane response - Toxicity. Last evaluated: 2021-03-24. Review status: reviewed by expert panel. Criteria: Pharmacogenomics knowledge for personalized medicine. Collection method: curation. Allele origin: germline. Affected: yes.
Comment: the same text as in the submission from ClinPGx above.

ClinPGx
Classification: drug response for methoxyflurane response - Toxicity. Last evaluated: 2021-03-24. Review status: reviewed by expert panel. Criteria: Pharmacogenomics knowledge for personalized medicine. Collection method: curation. Allele origin: germline. Affected: yes.
Comment: the same text as in the submission from ClinPGx above.

ClinPGx
Classification: drug response for sevoflurane response - Toxicity. Last evaluated: 2021-03-24. Review status: reviewed by expert panel. Criteria: Pharmacogenomics knowledge for personalized medicine. Collection method: curation. Allele origin: germline. Affected: yes.
Comment: the same text as in the submission from ClinPGx above.

ClinPGx
Classification: drug response for succinylcholine response - Toxicity. Last evaluated: 2021-03-24. Review status: reviewed by expert panel. Criteria: Pharmacogenomics knowledge for personalized medicine. Collection method: curation. Allele origin: germline. Affected: yes.
Comment: the same text as in the submission from ClinPGx above.

ClinGen Malignant Hyperthermia Susceptibility Variant Curation Expert Panel, ClinGen
Classification: Pathogenic for Malignant hyperthermia, susceptibility to, 1. Last evaluated: 2021-03-17. Review status: reviewed by expert panel. Criteria: ClinGen MHS ACMG Specifications V1. Collection method: curation. Allele origin: germline. Inheritance: Autosomal dominant inheritance. Study: ClinGen.
Comment: This pathogenicity assessment is relevant only for malignant hyperthermia susceptibility (MHS) inherited in an autosomal dominant pattern. Variants in RYR1 can also cause other myopathies inherited in an autosomal dominant pattern or in an autosomal recessive pattern. Some of these disorders may predispose individuals to malignant hyperthermia. RYR1 variants may also contribute to a malignant hyperthermia reaction in combination with other genetic and non-genetic factors and the clinician needs to consider such factors in making management decisions. This sequence variant predicts a substitution of Alanine with Threonine at codon 2350 of the RYR1 protein, p.(Ala2350Thr). This variant was not present in a large population database (gnomAD) at the time this variant was interpreted. This variant has been reported in 19 unrelated individuals who have a personal or family history of a malignant hyperthermia reaction, 17 of these individuals had a positive in vitro contracture test (IVCT) or caffeine halothane contracture test (CHCT) result (if the proband was unavailable for testing, a positive diagnostic test result in a mutation-positive relative was counted), PS4, (PMID:30236257, PMID:16163667, PMID:11525881, PMID:12434264, and others). Functional studies in HEK293 cells show an increased sensitivity to RYR1 agonists, PS3_Moderate (PMID:11525881). An ex vivo study in myotubes from a single patient also showed increased sensitivity to RYR1 agonists, (PMID:15210166). This variant resides in a region of RYR1 considered to be a hotspot for pathogenic variants that contribute to MHS, PM1 (PMID: 21118704). This variant segregates with MHS in 7 individuals PP1_Strong (PMID:11525881, PMID:25960145). A REVEL score >0.85 (0.952) supports a pathogenic status for this variant, PP3_Moderate. This variant has been classified as Pathogenic. Criteria implemented: PS3_Moderate, PS4, PM1, PP1_Strong, PP3_Moderate.

Labcorp Genetics (formerly Invitae), Labcorp
Classification: Pathogenic for RYR1-related disorder. Last evaluated: 2025-12-09. Review status: criteria provided, single submitter. Criteria: Invitae Variant Classification Sherloc (09022015). Collection method: clinical testing. Allele origin: germline. Not counted in ClinVar's aggregate classification.
Comment: This sequence change replaces alanine, which is neutral and non-polar, with threonine, which is neutral and polar, at codon 2350 of the RYR1 protein (p.Ala2350Thr). This variant is not present in population databases (gnomAD no frequency). This missense change has been observed in individuals with autosomal dominant malignant hyperthermia susceptibility (PMID: 11525881). It has also been observed to segregate with disease in related individuals. ClinVar contains an entry for this variant (Variation ID: 133182). Invitae Evidence Modeling of protein sequence and biophysical properties (such as structural, functional, and spatial information, amino acid conservation, physicochemical variation, residue mobility, and thermodynamic stability) indicates that this missense variant is not expected to disrupt RYR1 protein function with a negative predictive value of 80%. Experimental studies have shown that this missense change affects RYR1 function (PMID: 11525881). For these reasons, this variant has been classified as Pathogenic.

CeGaT Center for Human Genetics Tuebingen
Classification: Pathogenic. Last evaluated: 2024-12-01. Review status: criteria provided, single submitter. Criteria: CeGaT Center For Human Genetics Tuebingen Variant Classification Criteria Version 2. Collection method: clinical testing. Allele origin: germline. Affected: yes. Observed: 1 variant allele. Not counted in ClinVar's aggregate classification.
Comment: RYR1: PP1:Strong, PM2, PS4:Moderate, PP3, PS3:Supporting

Revvity Omics, Revvity
Classification: Pathogenic. Last evaluated: 2023-10-25. Review status: criteria provided, single submitter. Criteria: ACMG Guidelines, 2015. Collection method: clinical testing. Allele origin: germline. Not counted in ClinVar's aggregate classification.

Blueprint Genetics
Classification: Pathogenic for RYR1-related disorders. Last evaluated: 2021-02-26. Review status: criteria provided, single submitter. Criteria: ACMG Guidelines, 2015. Collection method: clinical testing. Allele origin: germline. Affected: yes. Observed: 1 variant allele. Not counted in ClinVar's aggregate classification.

PreventionGenetics, part of Exact Sciences
Classification: Pathogenic. Last evaluated: 2016-08-29. Review status: criteria provided, single submitter. Criteria: ACMG Guidelines, 2015. Collection method: clinical testing. Allele origin: germline. Not counted in ClinVar's aggregate classification.

Juno Genomics, Hangzhou Juno Genomics, Inc
Classification: Pathogenic for Congenital multicore myopathy with external ophthalmoplegia; Central core myopathy; Malignant hyperthermia, susceptibility to, 1; King Denborough syndrome. Review status: criteria provided, single submitter. Criteria: ACMG Guidelines, 2015. Collection method: clinical testing. Allele origin: germline. Not counted in ClinVar's aggregate classification.
Comment: The prevalence of the variant in affected individuals is significantly increased compared to the prevalence in controls.;Well-established in vitro or in vivo functional studies supportive of a damaging effect on the gene or gene product.;Located in a mutational hot spot and/or critical and well-established functional domain without benign variation.;Co-segregation with disease in multiple affected family members.

CSER _CC_NCGL, University of Washington
Classification: Pathogenic for Malignant hyperthermia. Last evaluated: 2014-06-01. Review status: no assertion criteria provided. Collection method: research. Allele origin: germline. Inheritance: Autosomal dominant inheritance. Study: ESP 6500 variant annotation. Not counted in ClinVar's aggregate classification.
Comment: Variants classified for the Actionable exomic incidental findings in 6503 participants: challenges of variant classification manuscript

RYR1 database
No classification provided. Review status: no classification provided. Collection method: not provided. Allele origin: unknown. Not counted in ClinVar's aggregate classification.

Literature cited by the submitters: PubMed 11525881 (cited by ClinPGx and Labcorp Genetics (formerly Invitae), Labcorp); PubMed 15448513 (cited by ClinPGx); PubMed 15731587 (cited by ClinPGx); PubMed 16163667 (cited by ClinPGx); PubMed 16917943 (cited by ClinPGx); PubMed 19648156 (cited by ClinPGx); PubMed 24433488 (cited by ClinPGx); PubMed 25960145 (cited by ClinPGx); PubMed 26951757 (cited by ClinPGx).

NM_000540.3(RYR1):c.7048G>A (p.Ala2350Thr)

Gene: RYR1 (ryanodine receptor 1; plus strand). Cytogenetic location: 19q13.2.
Variant type: single nucleotide variant.
Coding change: c.7048G>A on transcript NM_000540.3 (MANE Select); coding-DNA position 7048, G replaced by A.
Protein change: p.Ala2350Thr; replaces alanine 2350 with threonine.
Molecular consequence: missense variant.
Genome position (GRCh38, 1-based): chr19:38,499,655, G>A. VCF-style: chr19-38499655-G-A. GRCh37 (hg19) VCF-style: chr19-38990295-G-A.
Other names: NM_000540.3(RYR1):c.7048G>A; c.7048G>A, p.Ala2350Thr (NM_001042723.2); short protein forms A2350T.
Identifiers: ClinVar variation 133182 (VCV000133182.31), dbSNP rs193922802, ClinGen allele CA024690.